The following is an entry in ClinVar:

NM_006517.5(SLC16A2):c.1377G>T (p.Met459Ile)

Gene: SLC16A2 (solute carrier family 16 member 2; plus strand). Cytogenetic location: Xq13.2.
Variant type: single nucleotide variant.
Coding change: c.1377G>T on transcript NM_006517.5 (MANE Select); coding-DNA position 1377, G replaced by T.
Protein change: p.Met459Ile; replaces methionine 459 with isoleucine.
Molecular consequence: missense variant.
Genome position (GRCh38, 1-based): chrX:74,529,419, G>T. VCF-style: chrX-74529419-G-T. GRCh37 (hg19) VCF-style: chrX-73749254-G-T.
Other names: short protein forms M459I.
Identifiers: ClinVar variation 2084572 (VCV002084572.4), dbSNP rs2519809206, ClinGen allele CA413658610.

ClinVar aggregate classification (germline): Uncertain significance (1 of 4 stars; one submission).

Conditions:
Spastic paraplegia. Identifiers: MedGen C0037772, HP:0001258.

Submission:

Labcorp Genetics (formerly Invitae), Labcorp
Classification: Uncertain significance for Spastic paraplegia. Last evaluated: 2022-01-15. Review status: criteria provided, single submitter. Criteria: Invitae Variant Classification Sherloc (09022015). Collection method: clinical testing. Allele origin: germline.
Comment: In summary, the available evidence is currently insufficient to determine the role of this variant in disease. Therefore, it has been classified as a Variant of Uncertain Significance. Algorithms developed to predict the effect of missense changes on protein structure and function (SIFT, PolyPhen-2, Align-GVGD) all suggest that this variant is likely to be tolerated. This variant has not been reported in the literature in individuals affected with SLC16A2-related conditions. This variant is not present in population databases (gnomAD no frequency). This sequence change replaces methionine, which is neutral and non-polar, with isoleucine, which is neutral and non-polar, at codon 459 of the SLC16A2 protein (p.Met459Ile).